The following is an entry in ClinVar:

NM_001206927.2(DNAH8):c.2174C>G (p.Ala725Gly)

Gene: DNAH8 (dynein axonemal heavy chain 8; plus strand). Cytogenetic location: 6p21.2.
Variant type: single nucleotide variant.
Coding change: c.2174C>G on transcript NM_001206927.2 (MANE Select); coding-DNA position 2174, C replaced by G.
Protein change: p.Ala725Gly; replaces alanine 725 with glycine.
Molecular consequence: missense variant.
Genome position (GRCh38, 1-based): chr6:38,781,288, C>G. VCF-style: chr6-38781288-C-G. GRCh37 (hg19) VCF-style: chr6-38749064-C-G.
Other names: p.Ala725Gly; c.1523C>G, p.Ala508Gly (NM_001371.4); short protein forms A725G, A508G.
Identifiers: ClinVar variation 407294 (VCV000407294.40), dbSNP rs61757621, ClinGen allele CA3788440.

ClinVar aggregate classification (germline): Likely benign. Review status: criteria provided, multiple submitters, no conflicts (2 of 4 stars). 6 submissions from 6 submitters: Likely benign (5). 1 of the submissions does not count toward it. Last evaluated 2026-01-26.

Conditions:
Primary ciliary dyskinesia. Also called: Ciliary dyskinesia. Identifiers: Orphanet 244, MedGen C0008780, MONDO:0016575, HP:0012265.
DNAH8-related disorder. Also called: DNAH8-related condition.

Allele frequency attached by ClinVar (database versions not stated): 1000 Genomes Project 0.00060; 1000 Genomes Project 30x 0.00078; gnomAD exomes 0.00129 and 0.00276; ExAC 0.00131; TOPMed 0.00155; gnomAD 0.00165 and 0.00170; ESP Exome Variant Server 0.00185.
gnomAD v4.1: 4,190 of 1,613,844 alleles (0.26%); highest among the groups gnomAD compares: Non-Finnish European, 0.34%; 9 homozygotes.

Submissions (6):

Labcorp Genetics (formerly Invitae), Labcorp
Classification: Likely benign for Primary ciliary dyskinesia. Last evaluated: 2026-01-26. Review status: criteria provided, single submitter. Criteria: Invitae Variant Classification Sherloc (09022015). Collection method: clinical testing. Allele origin: germline.

Mayo Clinic Laboratories, Mayo Clinic
Classification: Likely benign. Last evaluated: 2025-04-08. Review status: criteria provided, single submitter. Criteria: ACMG Guidelines, 2015. Collection method: clinical testing. Allele origin: germline. Observed: 1 variant allele.
Comment: BS1, BS2_supporting, BP4_moderate

CeGaT Center for Human Genetics Tuebingen
Classification: Likely benign. Last evaluated: 2023-03-01. Review status: criteria provided, single submitter. Criteria: CeGaT Center For Human Genetics Tuebingen Variant Classification Criteria Version 2. Collection method: clinical testing. Allele origin: germline. Affected: yes. Observed: 1 variant allele.
Comment: DNAH8: BS2

UNC Molecular Genetics  Laboratory, University of North Carolina at Chapel Hill
Classification: Likely benign for Primary ciliary dyskinesia. Last evaluated: 2019-04-18. Review status: criteria provided, single submitter. Criteria: ACMG Guidelines, 2015. Collection method: clinical testing. Allele origin: germline. Observed: 1 heterozygote.

Breakthrough Genomics
Classification: Likely benign. Review status: criteria provided, single submitter. Criteria: ACMG Guidelines, 2015. Collection method: not provided. Allele origin: germline. Inheritance: Autosomal recessive inheritance. Affected: yes.

PreventionGenetics, part of Exact Sciences
Classification: Likely benign for DNAH8-related condition. Last evaluated: 2024-09-15. Review status: no assertion criteria provided. Collection method: clinical testing. Allele origin: germline. Not counted in ClinVar's aggregate classification.
Comment: This variant is classified as likely benign based on ACMG/AMP sequence variant interpretation guidelines (Richards et al. 2015 PMID: 25741868, with internal and published modifications).